The following is an entry in ClinVar:

ClinVar aggregate classification (germline): Conflicting classifications of pathogenicity. Review status: criteria provided, conflicting classifications (1 of 4 stars). 3 submissions from 3 submitters: Uncertain significance (2); Likely benign (1). Last evaluated 2025-08-29.

Conditions:
Cenani-Lenz syndactyly syndrome. Also called: SYNDACTYLY, TYPE VII; CENANI SYNDACTYLISM. Identifiers: Orphanet 3258, MedGen C1859309, MONDO:0008931, OMIM 212780.
Sclerosteosis 2 (SOST2). Identifiers: Orphanet 3152, MedGen C3280402, MONDO:0013679, OMIM 614305.
Congenital myasthenic syndrome 17. Identifiers: Orphanet 590, MedGen C4225377, MONDO:0014578, OMIM 616304.

Allele frequency attached by ClinVar (database versions not stated): gnomAD 0.00002; 1000 Genomes Project 0.00040; TOPMed 0.00002; gnomAD exomes 0.00008 and 0.00018; 1000 Genomes Project 30x 0.00031; ExAC 0.00025.

Submissions (3):

Labcorp Genetics (formerly Invitae), Labcorp
Classification: Likely benign for Cenani-Lenz syndactyly syndrome; Sclerosteosis 2; Congenital myasthenic syndrome 17. Last evaluated: 2025-08-29. Review status: criteria provided, single submitter. Criteria: Invitae Variant Classification Sherloc (09022015). Collection method: clinical testing. Allele origin: germline.

Fulgent Genetics
Classification: Uncertain significance for Cenani-Lenz syndactyly syndrome; Sclerosteosis 2; Congenital myasthenic syndrome 17. Last evaluated: 2024-06-12. Review status: criteria provided, single submitter. Criteria: ACMG Guidelines, 2015. Collection method: clinical testing. Allele origin: germline.

GeneDx
Classification: Uncertain significance. Last evaluated: 2019-06-24. Review status: criteria provided, single submitter. Criteria: GeneDx Variant Classification Process June 2021. Collection method: clinical testing. Allele origin: germline. Affected: yes.
Comment: In silico analysis, which includes protein predictors and evolutionary conservation, supports a deleterious effect; Has not been previously published as pathogenic or benign to our knowledge

NM_002334.4(LRP4):c.1654A>T (p.Asn552Tyr)

Gene: LRP4 (LDL receptor related protein 4; minus strand). Cytogenetic location: 11p11.2.
Variant type: single nucleotide variant.
Coding change: c.1654A>T on transcript NM_002334.4 (MANE Select); coding-DNA position 1654, A replaced by T.
Protein change: p.Asn552Tyr; replaces asparagine 552 with tyrosine.
Molecular consequence: missense variant.
Genome position (GRCh38, 1-based): chr11:46,893,016, T>A on the plus strand (A>T on the coding strand, the complement: LRP4 is on the minus strand). VCF-style: chr11-46893016-T-A. GRCh37 (hg19) VCF-style: chr11-46914567-T-A.
Other names: short protein forms N552Y.
Identifiers: ClinVar variation 1306610 (VCV001306610.11), dbSNP rs201253200, ClinGen allele CA5970097.